The following is an entry in ClinVar:

ClinVar aggregate classification (germline): Uncertain significance (1 of 4 stars; one submission).

Conditions:
MHC class I deficiency. Identifiers: Orphanet 34592, MedGen C6024714, MONDO:0011476.

Submission:

Labcorp Genetics (formerly Invitae), Labcorp
Classification: Uncertain significance for MHC class I deficiency 1. Last evaluated: 2025-05-27. Review status: criteria provided, single submitter. Criteria: Invitae Variant Classification Sherloc (09022015). Collection method: clinical testing. Allele origin: germline.
Comment: This sequence change replaces leucine, which is neutral and non-polar, with histidine, which is basic and polar, at codon 138 of the TAPBP protein (p.Leu138His). This variant is not present in population databases (gnomAD no frequency). This variant has not been reported in the literature in individuals affected with TAPBP-related conditions. ClinVar contains an entry for this variant (Variation ID: 3641360). An algorithm developed to predict the effect of missense changes on protein structure and function (PolyPhen-2) suggests that this variant is likely to be disruptive. In summary, the available evidence is currently insufficient to determine the role of this variant in disease. Therefore, it has been classified as a Variant of Uncertain Significance.

NM_003190.5(TAPBP):c.413T>A (p.Leu138His)

Gene: TAPBP (TAP binding protein; minus strand). Cytogenetic location: 6p21.32.
Variant type: single nucleotide variant.
Coding change: c.413T>A on transcript NM_003190.5 (MANE Select); coding-DNA position 413, T replaced by A.
Protein change: p.Leu138His; replaces leucine 138 with histidine.
Molecular consequence: missense variant. On other transcripts: intron variant (1).
Genome position (GRCh38, 1-based): chr6:33,313,273, A>T on the plus strand (T>A on the coding strand, the complement: TAPBP is on the minus strand). VCF-style: chr6-33313273-A-T. GRCh37 (hg19) VCF-style: chr6-33281050-A-T.
Other names: c.413T>A, p.Leu138His (NM_001410875.1, NM_172208.3); c.208+421T>A (NM_172209.3); short protein forms L138H.
Identifiers: ClinVar variation 3641360 (VCV003641360.2).